The following is an entry in ClinVar:

ClinVar aggregate classification (germline): Likely benign. Review status: criteria provided, multiple submitters, no conflicts (2 of 4 stars). 9 submissions from 9 submitters: Likely benign (9). Last evaluated 2026-04-27.

Conditions:
Cardiovascular phenotype. Identifiers: MedGen CN230736.
TTN-related disorder. Also called: TTN-related disorders; TTN-related condition; TTN-related disease.
Dilated cardiomyopathy 1G (CMD1G). Identifiers: Orphanet 154, MedGen C1858763, MONDO:0011400, OMIM 604145.
Autosomal recessive limb-girdle muscular dystrophy type 2J (LGMDR10). Also called: Limb-girdle muscular dystrophy, type 2J; MUSCULAR DYSTROPHY, LIMB-GIRDLE, AUTOSOMAL RECESSIVE 10. Identifiers: Orphanet 140922, MedGen C1837342, MONDO:0012127, OMIM 608807.

Allele frequency attached by ClinVar (database versions not stated): ExAC 0.00003; gnomAD exomes 0.00005; gnomAD 0.00016 and 0.00017; TOPMed 0.00021; ESP Exome Variant Server 0.00025; 1000 Genomes Project 0.00040; 1000 Genomes Project 30x 0.00047.
gnomAD v4.1: 67 of 1,610,072 alleles (0.0042%); highest among the groups gnomAD compares: African/African-American, 0.035%; no homozygotes.

Submissions (9):

PreventionGenetics, part of Exact Sciences
Classification: Likely benign for TTN-related condition. Last evaluated: 2026-04-27. Review status: criteria provided, single submitter. Criteria: ACMG Guidelines, 2015. Collection method: clinical testing. Allele origin: germline.
Comment: This variant is classified as likely benign based on ACMG/AMP sequence variant interpretation guidelines (Richards et al. 2015 PMID: 25741868, with internal and published modifications).

CeGaT Center for Human Genetics Tuebingen
Classification: Likely benign. Last evaluated: 2026-04-01. Review status: criteria provided, single submitter. Criteria: CeGaT Center For Human Genetics Tuebingen Variant Classification Criteria Version 2. Collection method: clinical testing. Allele origin: germline. Affected: yes. Observed: 3 variant alleles.
Comment: TTN: BP4, BP7

Labcorp Genetics (formerly Invitae), Labcorp
Classification: Likely benign for Dilated cardiomyopathy 1G; Autosomal recessive limb-girdle muscular dystrophy type 2J. Last evaluated: 2026-01-26. Review status: criteria provided, single submitter. Criteria: Invitae Variant Classification Sherloc (09022015). Collection method: clinical testing. Allele origin: germline.

Molecular Diagnostic Laboratory for Inherited Cardiovascular Disease, Montreal Heart Institute
Classification: Likely benign. Last evaluated: 2025-04-09. Review status: criteria provided, single submitter. Criteria: ACMG Guidelines, 2015. Collection method: clinical testing. Allele origin: germline. Affected: no.
Comment: BP1;BP6

Blueprint Genetics
Classification: Likely benign. Last evaluated: 2024-07-11. Review status: criteria provided, single submitter. Criteria: ACMG Guidelines, 2015. Collection method: clinical testing. Allele origin: germline.

Revvity Omics, Revvity
Classification: Likely benign. Last evaluated: 2023-12-18. Review status: criteria provided, single submitter. Criteria: ACMG Guidelines, 2015. Collection method: clinical testing. Allele origin: germline.

Women's Health and Genetics/Laboratory Corporation of America, LabCorp
Classification: Likely benign. Last evaluated: 2023-06-25. Review status: criteria provided, single submitter. Criteria: LabCorp Variant Classification Summary - May 2015. Collection method: clinical testing. Allele origin: germline.

GeneDx
Classification: Likely benign. Last evaluated: 2019-08-01. Review status: criteria provided, single submitter. Criteria: GeneDx Variant Classification Process June 2021. Collection method: clinical testing. Allele origin: germline. Affected: yes.

Ambry Genetics
Classification: Likely benign for Cardiovascular phenotype. Last evaluated: 2019-07-20. Review status: criteria provided, single submitter. Criteria: Ambry Variant Classification Scheme 2023. Collection method: clinical testing. Allele origin: germline.

NM_001267550.2(TTN):c.66549C>T (p.Asp22183=)

Genes: TTN-AS1 (TTN antisense RNA 1; plus strand), TTN (titin; minus strand). Cytogenetic location: 2q31.2.
Variant type: single nucleotide variant.
Coding change: c.66549C>T on transcript NM_001267550.2 (MANE Select); coding-DNA position 66549, C replaced by T.
Protein change: p.Asp22183=; no amino-acid change (aspartic acid 22183 retained).
Molecular consequence: synonymous variant.
Genome position (GRCh38, 1-based): chr2:178,581,719, G>A on the plus strand (C>T on the coding strand, the complement: TTN is on the minus strand). VCF-style: chr2-178581719-G-A. GRCh37 (hg19) VCF-style: chr2-179446446-G-A.
Other names: c.61626C>T, p.Asp20542= (NM_001256850.1); c.39354C>T, p.Asp13118= (NM_003319.4); c.58845C>T, p.Asp19615= (NM_133378.4); c.39729C>T, p.Asp13243= (NM_133432.3); c.39930C>T, p.Asp13310= (NM_133437.4).
Identifiers: ClinVar variation 467388 (VCV000467388.48), dbSNP rs374667295, ClinGen allele CA1991485.